The following is an entry in ClinVar:

ClinVar aggregate classification (germline): Pathogenic (1 of 4 stars; one submission).

Conditions:
Familial adenomatous polyposis 4 (FAP4). Also called: MSH3-related attenuated familial adenomatous polyposis. Identifiers: Orphanet 480536, MedGen C4310719, MONDO:0044300, OMIM 617100.

Submission:

Myriad Genetics, Inc.
Classification: Pathogenic for Familial adenomatous polyposis 4. Last evaluated: 2023-08-30. Review status: criteria provided, single submitter. Criteria: Myriad Autosomal Dominant, Autosomal Recessive and X-Linked Classification Criteria (2023). Collection method: clinical testing. Allele origin: unknown.
Comment: This variant is considered pathogenic. This variant creates a frameshift predicted to result in premature protein truncation.

NM_002439.5(MSH3):c.2140_2141dup (p.Lys716fs)

Gene: MSH3 (mutS homolog 3; plus strand). Cytogenetic location: 5q14.1.
Variant type: Duplication.
Coding change: c.2140_2141dup on transcript NM_002439.5 (MANE Select); coding-DNA positions 2140 to 2141, 2 bases duplicated (AA; older notation c.2140_2141dupAA).
Protein change: p.Lys716fs; shifts the reading frame from lysine 716.
Molecular consequence: frameshift variant.
Genome position (GRCh38, 1-based): chr5:80,768,890-80,768,891, AA duplicated; duplicating any 2 consecutive bases within chr5:80,768,886-80,768,891 gives the same sequence; the c. name uses the placement nearest the transcript's 3' end. VCF-style (leftmost placement, unchanged base first): chr5-80768885-T-TAA. GRCh37 (hg19) VCF-style: chr5-80064704-T-TAA.
Other names: short protein forms K716fs.
Identifiers: ClinVar variation 2673566 (VCV002673566.1), dbSNP rs751236312, ClinGen allele CA2695198673.